The following is an entry in ClinVar:

NM_000455.5(STK11):c.1135C>T (p.His379Tyr)

Gene: STK11 (serine/threonine kinase 11; plus strand). Cytogenetic location: 19p13.3.
Variant type: single nucleotide variant.
Coding change: c.1135C>T on transcript NM_000455.5 (MANE Select); coding-DNA position 1135, C replaced by T.
Protein change: p.His379Tyr; replaces histidine 379 with tyrosine.
Molecular consequence: missense variant. On other transcripts: non-coding transcript variant (1).
Genome position (GRCh38, 1-based): chr19:1,226,480, C>T. VCF-style: chr19-1226480-C-T. GRCh37 (hg19) VCF-style: chr19-1226479-C-T.
Other names: short protein forms H379Y.
Identifiers: ClinVar variation 2499306 (VCV002499306.2), dbSNP rs762124698, ClinGen allele CA402953259.

ClinVar aggregate classification (germline): Uncertain significance. Review status: criteria provided, multiple submitters, no conflicts (2 of 4 stars). 2 submissions from 2 submitters: Uncertain significance (2). Last evaluated 2025-11-09.

Conditions:
Peutz-Jeghers syndrome (PJS). Also called: Peutz-Jeghers polyposis; Periorificial lentiginosis syndrome; POLYPOSIS, HAMARTOMATOUS INTESTINAL; POLYPS-AND-SPOTS SYNDROME. Identifiers: Orphanet 2869, MedGen C0031269, MeSH D010580, MONDO:0008280, OMIM 175200.

Submissions (2):

Labcorp Genetics (formerly Invitae), Labcorp
Classification: Uncertain significance for Peutz-Jeghers syndrome. Last evaluated: 2025-11-09. Review status: criteria provided, single submitter. Criteria: Invitae Variant Classification Sherloc (09022015). Collection method: clinical testing. Allele origin: germline.
Comment: This sequence change replaces histidine, which is basic and polar, with tyrosine, which is neutral and polar, at codon 379 of the STK11 protein (p.His379Tyr). This variant is not present in population databases (gnomAD no frequency). This variant has not been reported in the literature in individuals affected with STK11-related conditions. ClinVar contains an entry for this variant (Variation ID: 2499306). Invitae Evidence Modeling of protein sequence and biophysical properties (such as structural, functional, and spatial information, amino acid conservation, physicochemical variation, residue mobility, and thermodynamic stability) indicates that this missense variant is not expected to disrupt STK11 protein function with a negative predictive value of 95%. In summary, the available evidence is currently insufficient to determine the role of this variant in disease. Therefore, it has been classified as a Variant of Uncertain Significance.

GeneDx
Classification: Uncertain significance. Last evaluated: 2022-10-11. Review status: criteria provided, single submitter. Criteria: GeneDx Variant Classification Process June 2021. Collection method: clinical testing. Allele origin: germline. Affected: yes.
Comment: Not observed at significant frequency in large population cohorts (gnomAD); In silico analysis supports that this missense variant does not alter protein structure/function; Has not been previously published as pathogenic or benign to our knowledge; This variant is associated with the following publications: (PMID: 28900777)